The following is an entry in ClinVar:

ClinVar aggregate classification (germline): Uncertain significance (1 of 4 stars; one submission).

Conditions:
Renal cell carcinoma. Identifiers: Orphanet 217071, MedGen C0007134, MeSH D002292, MONDO:0005086, HP:0005584.

Allele frequency attached by ClinVar (database versions not stated): gnomAD exomes below 0.00001.
gnomAD v4.1: 1 of 1,614,220 alleles (0.000062%); highest among the groups gnomAD compares: South Asian, 0.0011%; no homozygotes.

Submission:

Labcorp Genetics (formerly Invitae), Labcorp
Classification: Uncertain significance for Renal cell carcinoma. Last evaluated: 2025-09-16. Review status: criteria provided, single submitter. Criteria: Invitae Variant Classification Sherloc (09022015). Collection method: clinical testing. Allele origin: germline.
Comment: This sequence change replaces glutamine, which is neutral and polar, with arginine, which is basic and polar, at codon 1066 of the MET protein (p.Gln1066Arg). This variant is present in population databases (no rsID available, gnomAD 0.003%). This variant has not been reported in the literature in individuals affected with MET-related conditions. ClinVar contains an entry for this variant (Variation ID: 2984276). Invitae Evidence Modeling of protein sequence and biophysical properties (such as structural, functional, and spatial information, amino acid conservation, physicochemical variation, residue mobility, and thermodynamic stability) indicates that this missense variant is not expected to disrupt MET protein function with a negative predictive value of 80%. In summary, the available evidence is currently insufficient to determine the role of this variant in disease. Therefore, it has been classified as a Variant of Uncertain Significance.

NM_000245.4(MET):c.3143A>G (p.Gln1048Arg)

Gene: MET (MET proto-oncogene, receptor tyrosine kinase; plus strand). Cytogenetic location: 7q31.2.
Variant type: single nucleotide variant.
Coding change: c.3143A>G on transcript NM_000245.4 (MANE Select); coding-DNA position 3143, A replaced by G.
Protein change: p.Gln1048Arg; replaces glutamine 1048 with arginine.
Molecular consequence: missense variant.
Genome position (GRCh38, 1-based): chr7:116,774,995, A>G. VCF-style: chr7-116774995-A-G. GRCh37 (hg19) VCF-style: chr7-116415049-A-G.
Other names: c.3197A>G, p.Gln1066Arg (NM_001127500.3); c.1853A>G, p.Gln618Arg (NM_001324402.2); short protein forms Q1066R, Q1048R, Q618R.
Identifiers: ClinVar variation 2984276 (VCV002984276.3), dbSNP rs1459375512, ClinGen allele CA368988315.